The following is an entry in ClinVar:

ClinVar aggregate classification (germline): Conflicting classifications of pathogenicity. Review status: criteria provided, conflicting classifications (1 of 4 stars). 4 submissions from 4 submitters: Uncertain significance (3); Likely benign (1). Last evaluated 2026-04-28.

Conditions:
MYH14-related disorder. Also called: MYH14-related condition.
Inborn genetic diseases. Identifiers: MedGen C0950123, MeSH D030342.

Allele frequency attached by ClinVar (database versions not stated): ExAC 0.00009; gnomAD exomes 0.00013; ESP Exome Variant Server 0.00016; gnomAD 0.00017; 1000 Genomes Project 0.00040; 1000 Genomes Project 30x 0.00047.
gnomAD v4.1: 123 of 1,545,328 alleles (0.008%); highest among the groups gnomAD compares: African/African-American, 0.08%; 1 homozygote.

Submissions (4):

PreventionGenetics, part of Exact Sciences
Classification: Uncertain significance for MYH14-related condition. Last evaluated: 2026-04-28. Review status: criteria provided, single submitter. Criteria: ACMG Guidelines, 2015. Collection method: clinical testing. Allele origin: germline.
Comment: The MYH14 c.4028C>T variant is predicted to result in the amino acid substitution p.Ala1343Val. To our knowledge, this variant has not been reported in the literature. This variant is reported in 0.079% of alleles in individuals of African descent in gnomAD. Although we suspect that this variant may be benign, at this time, the clinical significance of this variant is uncertain due to the absence of conclusive functional and genetic evidence.

Ambry Genetics
Classification: Uncertain significance for Inborn genetic diseases. Last evaluated: 2025-02-13. Review status: criteria provided, single submitter. Criteria: Ambry Variant Classification Scheme 2023. Collection method: clinical testing. Allele origin: germline.

Labcorp Genetics (formerly Invitae), Labcorp
Classification: Uncertain significance. Last evaluated: 2024-12-26. Review status: criteria provided, single submitter. Criteria: Invitae Variant Classification Sherloc (09022015). Collection method: clinical testing. Allele origin: germline.
Comment: This sequence change replaces alanine, which is neutral and non-polar, with valine, which is neutral and non-polar, at codon 1302 of the MYH14 protein (p.Ala1302Val). This variant is present in population databases (rs374058410, gnomAD 0.07%), and has an allele count higher than expected for a pathogenic variant. This variant has not been reported in the literature in individuals affected with MYH14-related conditions. ClinVar contains an entry for this variant (Variation ID: 1335360). Invitae Evidence Modeling of protein sequence and biophysical properties (such as structural, functional, and spatial information, amino acid conservation, physicochemical variation, residue mobility, and thermodynamic stability) indicates that this missense variant is not expected to disrupt MYH14 protein function with a negative predictive value of 80%. In summary, the available evidence is currently insufficient to determine the role of this variant in disease. Therefore, it has been classified as a Variant of Uncertain Significance.

CeGaT Center for Human Genetics Tuebingen
Classification: Likely benign. Last evaluated: 2021-11-01. Review status: criteria provided, single submitter. Criteria: CeGaT Center For Human Genetics Tuebingen Variant Classification Criteria Version 2. Collection method: clinical testing. Allele origin: germline. Affected: yes. Observed: 1 variant allele.

NM_001145809.2(MYH14):c.4028C>T (p.Ala1343Val)

Gene: MYH14 (myosin heavy chain 14; plus strand). Cytogenetic location: 19q13.33.
Variant type: single nucleotide variant.
Coding change: c.4028C>T on transcript NM_001145809.2 (MANE Select); coding-DNA position 4028, C replaced by T.
Protein change: p.Ala1343Val; replaces alanine 1343 with valine.
Molecular consequence: missense variant.
Genome position (GRCh38, 1-based): chr19:50,278,285, C>T. VCF-style: chr19-50278285-C-T. GRCh37 (hg19) VCF-style: chr19-50781542-C-T.
Other names: c.3929C>T, p.Ala1310Val (NM_001077186.2); c.3905C>T, p.Ala1302Val (NM_024729.4); c.4028C>T (NM_001145809.1); c.3905C>T (NM_024729.3); short protein forms A1302V, A1310V, A1343V.
Identifiers: ClinVar variation 1335360 (VCV001335360.47), dbSNP rs374058410, ClinGen allele CA9593398.
Genomic context (GRCh38, chr19:50,278,285, plus strand): 5'-AGGGCCGGGCTGGTGATGGGGAGAGGGCACGAGCGGAGGCTGCTGAGAAGCTGCAGCGAG[C>T]CCAGGTAAGTGGGGTGGGCAGGGCAGAGGTTTCTGCTGTGTGACCTTGGTGACATGCCTG-3'
Protein context (NP_001139281.1, residues 1333-1353): RAEAAEKLQR[Ala1343Val]QAELENVSGA